The following is an entry in ClinVar:

NM_001267550.2(TTN):c.21844G>A (p.Glu7282Lys)

Gene: TTN (titin; minus strand). Cytogenetic location: 2q31.2.
Variant type: single nucleotide variant.
Coding change: c.21844G>A on transcript NM_001267550.2 (MANE Select); coding-DNA position 21844, G replaced by A.
Protein change: p.Glu7282Lys; replaces glutamic acid 7282 with lysine.
Molecular consequence: missense variant. On other transcripts: intron variant (3).
Genome position (GRCh38, 1-based): chr2:178,723,163, C>T on the plus strand (G>A on the coding strand, the complement: TTN is on the minus strand). VCF-style: chr2-178723163-C-T. GRCh37 (hg19) VCF-style: chr2-179587890-C-T.
Other names: c.20893G>A, p.Glu6965Lys (NM_001256850.1); c.18112G>A, p.Glu6038Lys (NM_133378.4); c.13282+14919G>A (NM_003319.4); c.13858+14919G>A (NM_133437.4); c.13657+14919G>A (NM_133432.3); c.21844G>A (NM_001267550.1); short protein forms E6038K, E7282K, E6965K.
Identifiers: ClinVar variation 332915 (VCV000332915.11), dbSNP rs778532757, ClinGen allele CA2000939.

ClinVar aggregate classification (germline): Uncertain significance. Review status: criteria provided, multiple submitters, no conflicts (2 of 4 stars). 8 submissions from 4 submitters: Uncertain significance (8). Last evaluated 2023-07-12.

Conditions:
Cardiomyopathy (CMYO). Also called: Cardiomyopathies. Identifiers: Orphanet 167848, MedGen C0878544, MONDO:0004994, HP:0001638. Inheritance: Various modes of inheritance.
Early-onset myopathy with fatal cardiomyopathy (CMYO5). Also called: CONGENITAL MYOPATHY 5 WITH CARDIOMYOPATHY; Salih Myopathy. Identifiers: Orphanet 289377, MedGen C2673677, MONDO:0012714, OMIM 611705. Disease mechanism: loss of function.
Autosomal recessive limb-girdle muscular dystrophy type 2J (LGMDR10). Also called: MUSCULAR DYSTROPHY, LIMB-GIRDLE, AUTOSOMAL RECESSIVE 10; Limb-girdle muscular dystrophy, type 2J. Identifiers: Orphanet 140922, MedGen C1837342, MONDO:0012127, OMIM 608807.
Tibial muscular dystrophy (TMD). Also called: Udd Distal Myopathy – Tibial Muscular Dystrophy; UDD MYOPATHY; Tibial muscular dystrophy, tardive. Identifiers: Orphanet 609, MedGen C1838244, MONDO:0010870, OMIM 600334.
Dilated cardiomyopathy 1G (CMD1G). Identifiers: Orphanet 154, MedGen C1858763, MONDO:0011400, OMIM 604145.
Myopathy, myofibrillar, 9, with early respiratory failure (MFM9). Also called: Myopathy, distal, with early respiratory failure, autosomal dominant; Hereditary myopathy with early respiratory failure; EDSTROM MYOPATHY; MYOPATHY, PROXIMAL, WITH EARLY RESPIRATORY MUSCLE INVOLVEMENT. Identifiers: Orphanet 178464, Orphanet 34521, MedGen C1863599, MONDO:0011362, OMIM 603689.

Allele frequency attached by ClinVar (database versions not stated): gnomAD exomes 0.00001 and 0.00003; ExAC 0.00002; TOPMed 0.00002; gnomAD 0.00003 and 0.00004.
gnomAD v4.1: 48 of 1,613,406 alleles (0.003%); highest among the groups gnomAD compares: Non-Finnish European, 0.0039%; no homozygotes.

Submissions (8):

GeneDx
Classification: Uncertain significance. Last evaluated: 2023-07-12. Review status: criteria provided, single submitter. Criteria: GeneDx Variant Classification Process June 2021. Collection method: clinical testing. Allele origin: germline. Affected: yes.
Comment: Not observed at significant frequency in large population cohorts (gnomAD); Missense variant in a gene in which most reported pathogenic variants are truncating/loss of function; Has not been previously published as pathogenic or benign to our knowledge

Illumina Laboratory Services, Illumina
Classification: Uncertain significance for Autosomal recessive limb-girdle muscular dystrophy type 2J. Last evaluated: 2018-01-13. Review status: criteria provided, single submitter. Criteria: ICSL Variant Classification Criteria 13 December 2019. Collection method: clinical testing. Allele origin: germline.

Illumina Laboratory Services, Illumina
Classification: Uncertain significance for Early-onset myopathy with fatal cardiomyopathy. Last evaluated: 2018-01-13. Review status: criteria provided, single submitter. Criteria: ICSL Variant Classification Criteria 13 December 2019. Collection method: clinical testing. Allele origin: germline.

Illumina Laboratory Services, Illumina
Classification: Uncertain significance for Myopathy, myofibrillar, 9, with early respiratory failure. Last evaluated: 2018-01-13. Review status: criteria provided, single submitter. Criteria: ICSL Variant Classification Criteria 13 December 2019. Collection method: clinical testing. Allele origin: germline.

Illumina Laboratory Services, Illumina
Classification: Uncertain significance for Dilated cardiomyopathy 1G. Last evaluated: 2018-01-13. Review status: criteria provided, single submitter. Criteria: ICSL Variant Classification Criteria 13 December 2019. Collection method: clinical testing. Allele origin: germline.

Illumina Laboratory Services, Illumina
Classification: Uncertain significance for Tibial muscular dystrophy. Last evaluated: 2018-01-13. Review status: criteria provided, single submitter. Criteria: ICSL Variant Classification Criteria 13 December 2019. Collection method: clinical testing. Allele origin: germline.

Eurofins Ntd Llc (ga)
Classification: Uncertain significance. Last evaluated: 2017-06-07. Review status: criteria provided, single submitter. Criteria: EGL Classification Definitions 2015. Collection method: clinical testing. Allele origin: germline. Observed: 1 variant allele, 1 heterozygote.

CHEO Genetics Diagnostic Laboratory, Children's Hospital of Eastern Ontario
Classification: Uncertain significance for Cardiomyopathy. Last evaluated: 2016-02-25. Review status: criteria provided, single submitter. Criteria: ACMG Guidelines, 2015. Collection method: clinical testing. Allele origin: germline. Study: Canadian Open Genetics Repository.